The following is an entry in ClinVar:

ClinVar aggregate classification (germline): Uncertain significance (1 of 4 stars; one submission).

Conditions:
Dilated cardiomyopathy 1KK (CMD1KK). Identifiers: Orphanet 154, Orphanet 75249, MedGen C3714995, MONDO:0014100, OMIM 615248.

Submission:

Labcorp Genetics (formerly Invitae), Labcorp
Classification: Uncertain significance for Dilated cardiomyopathy 1KK. Last evaluated: 2022-08-20. Review status: criteria provided, single submitter. Criteria: Invitae Variant Classification Sherloc (09022015). Collection method: clinical testing. Allele origin: germline.
Comment: In summary, the available evidence is currently insufficient to determine the role of this variant in disease. Therefore, it has been classified as a Variant of Uncertain Significance. Algorithms developed to predict the effect of missense changes on protein structure and function (SIFT, PolyPhen-2, Align-GVGD) all suggest that this variant is likely to be tolerated. This variant has not been reported in the literature in individuals affected with MYPN-related conditions. This variant is not present in population databases (gnomAD no frequency). This sequence change replaces glutamic acid, which is acidic and polar, with glutamine, which is neutral and polar, at codon 114 of the MYPN protein (p.Glu114Gln).

NM_032578.4(MYPN):c.340G>C (p.Glu114Gln)

Gene: MYPN (myopalladin; plus strand). Cytogenetic location: 10q21.3.
Variant type: single nucleotide variant.
Coding change: c.340G>C on transcript NM_032578.4 (MANE Select); coding-DNA position 340, G replaced by C.
Protein change: p.Glu114Gln; replaces glutamic acid 114 with glutamine.
Molecular consequence: missense variant. On other transcripts: 5 prime UTR variant (1), non-coding transcript variant (1).
Genome position (GRCh38, 1-based): chr10:68,121,778, G>C. VCF-style: chr10-68121778-G-C. GRCh37 (hg19) VCF-style: chr10-69881535-G-C.
Other names: c.340G>C, p.Glu114Gln (NM_001256267.2); c.-783G>C (NM_001256268.2); short protein forms E114Q.
Identifiers: ClinVar variation 1975541 (VCV001975541.5), dbSNP rs2495462308, ClinGen allele CA377104127.